The following is an entry in ClinVar:

NM_016032.4(ZDHHC9):c.30G>A (p.Val10=)

Gene: ZDHHC9 (zDHHC palmitoyltransferase 9; minus strand). Cytogenetic location: Xq26.1.
Variant type: single nucleotide variant.
Coding change: c.30G>A on transcript NM_016032.4 (MANE Select); coding-DNA position 30, G replaced by A.
Protein change: p.Val10=; no amino-acid change (valine 10 retained).
Molecular consequence: synonymous variant.
Genome position (GRCh38, 1-based): chrX:129,841,916, C>T on the plus strand (G>A on the coding strand, the complement: ZDHHC9 is on the minus strand). VCF-style: chrX-129841916-C-T. GRCh37 (hg19) VCF-style: chrX-128975892-C-T.
Other names: c.30G>A, p.Val10= (NM_001008222.3).
Identifiers: ClinVar variation 3900215 (VCV003900215.1).

ClinVar aggregate classification (germline): Uncertain significance (1 of 4 stars; one submission).

Submission:

GeneDx
Classification: Uncertain significance. Last evaluated: 2024-11-22. Review status: criteria provided, single submitter. Criteria: GeneDx Variant Classification Process June 2021. Collection method: clinical testing. Allele origin: germline. Affected: yes.
Comment: Not observed at significant frequency in large population cohorts (gnomAD); Has not been previously published as pathogenic or benign to our knowledge; In silico analysis suggests this variant may impact gene splicing. In the absence of RNA/functional studies, the actual effect of this sequence change is unknown.